The following is an entry in ClinVar:

NM_003074.4(SMARCC1):c.2608G>T (p.Ala870Ser)

Gene: SMARCC1 (SWI/SNF related BAF chromatin remodeling complex subunit C1; minus strand). Cytogenetic location: 3p21.31.
Variant type: single nucleotide variant.
Coding change: c.2608G>T on transcript NM_003074.4 (MANE Select); coding-DNA position 2608, G replaced by T.
Protein change: p.Ala870Ser; replaces alanine 870 with serine.
Molecular consequence: missense variant.
Genome position (GRCh38, 1-based): chr3:47,635,228, C>A on the plus strand (G>T on the coding strand, the complement: SMARCC1 is on the minus strand). VCF-style: chr3-47635228-C-A. GRCh37 (hg19) VCF-style: chr3-47676718-C-A.
Other names: short protein forms A870S.
Identifiers: ClinVar variation 3774988 (VCV003774988.1).

ClinVar aggregate classification (germline): Uncertain significance (1 of 4 stars; one submission).

gnomAD v4.1: 3 of 1,613,604 alleles (0.00019%); highest among the groups gnomAD compares: African/African-American, 0.0013%; no homozygotes.

Submission:

GeneDx
Classification: Uncertain significance. Last evaluated: 2024-09-26. Review status: criteria provided, single submitter. Criteria: GeneDx Variant Classification Process June 2021. Collection method: clinical testing. Allele origin: germline. Affected: yes.
Comment: Not observed at significant frequency in large population cohorts (gnomAD); In silico analysis supports that this missense variant has a deleterious effect on protein structure/function; Has not been previously published as pathogenic or benign to our knowledge